The following is an entry in ClinVar:

NM_201596.3(CACNB2):c.1649C>T (p.Ser550Phe)

Gene: CACNB2 (calcium voltage-gated channel auxiliary subunit beta 2; plus strand). Cytogenetic location: 10p12.31.
Variant type: single nucleotide variant.
Coding change: c.1649C>T on transcript NM_201596.3 (MANE Select); coding-DNA position 1649, C replaced by T.
Protein change: p.Ser550Phe; replaces serine 550 with phenylalanine.
Molecular consequence: missense variant.
Genome position (GRCh38, 1-based): chr10:18,539,390, C>T. VCF-style: chr10-18539390-C-T. GRCh37 (hg19) VCF-style: chr10-18828319-C-T.
Other names: c.1484C>T, p.Ser495Phe (NM_000724.4); c.1451C>T, p.Ser484Phe (NM_001167945.2); c.1370C>T, p.Ser457Phe (NM_001330060.2); c.1391C>T, p.Ser464Phe (NM_001410882.1); c.1505C>T, p.Ser502Phe (NM_201570.3); c.1565C>T, p.Ser522Phe (NM_201571.4); c.1493C>T, p.Ser498Phe (NM_201572.4); c.1487C>T, p.Ser496Phe (NM_201590.3); and 2 more; short protein forms S464F, S502F, S550F, S495F, S512F, S526F, S457F, S496F.
Identifiers: ClinVar variation 3262846 (VCV003262846.1).

ClinVar aggregate classification (germline): Uncertain significance (1 of 4 stars; one submission).

Conditions:
Cardiovascular phenotype. Identifiers: MedGen CN230736.

gnomAD v4.1: 7 of 1,614,132 alleles (0.00043%); highest among the groups gnomAD compares: Non-Finnish European, 0.00059%; no homozygotes.

Submission:

Ambry Genetics
Classification: Uncertain significance for Cardiovascular phenotype. Last evaluated: 2024-04-14. Review status: criteria provided, single submitter. Criteria: Ambry Variant Classification Scheme 2023. Collection method: clinical testing. Allele origin: germline.
Comment: The p.S496F variant (also known as c.1487C>T), located in coding exon 13 of the CACNB2 gene, results from a C to T substitution at nucleotide position 1487. The serine at codon 496 is replaced by phenylalanine, an amino acid with highly dissimilar properties. This amino acid position is conserved. In addition, the in silico prediction for this alteration is inconclusive. Based on the available evidence, the clinical significance of this variant remains unclear.